The following is an entry in ClinVar:

NM_002473.6(MYH9):c.2626T>C (p.Ser876Pro)

Gene: MYH9 (myosin heavy chain 9; minus strand). Cytogenetic location: 22q12.3.
Variant type: single nucleotide variant.
Coding change: c.2626T>C on transcript NM_002473.6 (MANE Select); coding-DNA position 2626, T replaced by C.
Protein change: p.Ser876Pro; replaces serine 876 with proline.
Molecular consequence: missense variant.
Genome position (GRCh38, 1-based): chr22:36,301,539, A>G on the plus strand (T>C on the coding strand, the complement: MYH9 is on the minus strand). VCF-style: chr22-36301539-A-G. GRCh37 (hg19) VCF-style: chr22-36697585-A-G.
Other names: short protein forms S876P.
Identifiers: ClinVar variation 2764986 (VCV002764986.3), dbSNP rs2517971280, ClinGen allele CA411394347.

ClinVar aggregate classification (germline): Uncertain significance (1 of 4 stars; one submission).

Submission:

Labcorp Genetics (formerly Invitae), Labcorp
Classification: Uncertain significance. Last evaluated: 2023-10-04. Review status: criteria provided, single submitter. Criteria: Invitae Variant Classification Sherloc (09022015). Collection method: clinical testing. Allele origin: germline.
Comment: This sequence change replaces serine, which is neutral and polar, with proline, which is neutral and non-polar, at codon 876 of the MYH9 protein (p.Ser876Pro). This variant is not present in population databases (gnomAD no frequency). This variant has not been reported in the literature in individuals affected with MYH9-related conditions. Advanced modeling of protein sequence and biophysical properties (such as structural, functional, and spatial information, amino acid conservation, physicochemical variation, residue mobility, and thermodynamic stability) performed at Invitae indicates that this missense variant is not expected to disrupt MYH9 protein function. In summary, the available evidence is currently insufficient to determine the role of this variant in disease. Therefore, it has been classified as a Variant of Uncertain Significance.